The following is an entry in ClinVar:

ClinVar aggregate classification (germline): Uncertain significance (1 of 4 stars; one submission).

Conditions:
Congenital hyperammonemia, type I. Also called: CPS I DEFICIENCY; Carbamoyl-phosphate synthase I deficiency; Carbamoyl phosphate synthetase 1 deficiency; Hyperammonemia due to carbamoyl phosphate synthetase 1 deficiency; CPS 1 deficiency; Carbamyl phosphate synthetase (CPS) deficiency. Identifiers: Orphanet 147, MedGen C4082171, MONDO:0009376, OMIM 237300.

Submission:

Labcorp Genetics (formerly Invitae), Labcorp
Classification: Uncertain significance for Congenital hyperammonemia, type I. Last evaluated: 2022-07-06. Review status: criteria provided, single submitter. Criteria: Invitae Variant Classification Sherloc (09022015). Collection method: clinical testing. Allele origin: germline.
Comment: In summary, the available evidence is currently insufficient to determine the role of this variant in disease. Therefore, it has been classified as a Variant of Uncertain Significance. Algorithms developed to predict the effect of missense changes on protein structure and function are either unavailable or do not agree on the potential impact of this missense change (SIFT: "Deleterious"; PolyPhen-2: "Probably Damaging"; Align-GVGD: "Class C0"). ClinVar contains an entry for this variant (Variation ID: 1423144). This variant has not been reported in the literature in individuals affected with CPS1-related conditions. This variant is not present in population databases (gnomAD no frequency). This sequence change replaces phenylalanine, which is neutral and non-polar, with cysteine, which is neutral and slightly polar, at codon 521 of the CPS1 protein (p.Phe521Cys).

NM_001875.5(CPS1):c.1562T>G (p.Phe521Cys)

Gene: CPS1 (carbamoyl-phosphate synthase 1; plus strand). Cytogenetic location: 2q34.
Variant type: single nucleotide variant.
Coding change: c.1562T>G on transcript NM_001875.5 (MANE Select); coding-DNA position 1562, T replaced by G.
Protein change: p.Phe521Cys; replaces phenylalanine 521 with cysteine.
Molecular consequence: missense variant. On other transcripts: non-coding transcript variant (2).
Genome position (GRCh38, 1-based): chr2:210,600,567, T>G. VCF-style: chr2-210600567-T-G. GRCh37 (hg19) VCF-style: chr2-211465291-T-G.
Other names: c.1562T>G, p.Phe521Cys (NM_001369257.1, NM_001122633.3); c.1595T>G, p.Phe532Cys (NM_001369256.1); short protein forms F521C, F532C.
Identifiers: ClinVar variation 1423144 (VCV001423144.6), dbSNP rs2105840290, ClinGen allele CA350436524.
Genomic context (GRCh38, chr2:210,600,567, plus strand): 5'-CACAAAATTCAAGATTTTAAAAACTAATCCTATTTGGTTCTTCTTTAGGAGTGGAACTAT[T>G]CAAGAGAGGTGTGCTCAAGGAATATGGTGTGAAAGTCCTGGGAACTTCAGTTGAGTCCAT-3'
Protein context (NP_001866.2, residues 511-531): QTALNCGVEL[Phe521Cys]KRGVLKEYGV